The following is an entry in ClinVar:

NM_014915.3(ANKRD26):c.1296G>A (p.Lys432=)

Gene: ANKRD26 (ankyrin repeat domain containing 26; minus strand). Cytogenetic location: 10p12.1.
Variant type: single nucleotide variant.
Coding change: c.1296G>A on transcript NM_014915.3 (MANE Select); coding-DNA position 1296, G replaced by A.
Protein change: p.Lys432=; no amino-acid change (lysine 432 retained).
Molecular consequence: synonymous variant.
Genome position (GRCh38, 1-based): chr10:27,064,055, C>T on the plus strand (G>A on the coding strand, the complement: ANKRD26 is on the minus strand). VCF-style: chr10-27064055-C-T. GRCh37 (hg19) VCF-style: chr10-27352984-C-T.
Other names: c.1296G>A, p.Lys432= (NM_001256053.2).
Identifiers: ClinVar variation 3363614 (VCV003363614.1).
Genomic context (GRCh38, chr10:27,064,055, plus strand): 5'-TTGTTCATTTCCTATATTTTTTTCTTTTCCGTCTGCAGCCCCAGCTAAAGGATCAACATA[C>T]TTCTGTGGAAAATTCTCAGAGATACTCTGTTAAAATTAGTATCAATAATGAGTTTCAATT-3'
Protein context (NP_055730.2, residues 422-442): SESISENFPQ[Lys432=]YVDPLAGAAD

ClinVar aggregate classification (germline): Uncertain significance (1 of 4 stars; one submission).

gnomAD v4.1: 14 of 1,611,096 alleles (0.00087%); highest among the groups gnomAD compares: Non-Finnish European, 0.0011%; no homozygotes.

Submission:

GeneDx
Classification: Uncertain significance. Last evaluated: 2023-11-02. Review status: criteria provided, single submitter. Criteria: GeneDx Variant Classification Process June 2021. Collection method: clinical testing. Allele origin: germline. Affected: yes.
Comment: Not observed at significant frequency in large population cohorts (gnomAD); Has not been previously published as pathogenic or benign to our knowledge; In silico analysis suggests this variant may impact gene splicing. In the absence of RNA/functional studies, the actual effect of this sequence change is unknown.